The following is an entry in ClinVar:

ClinVar aggregate classification (germline): Pathogenic. Review status: criteria provided, multiple submitters, no conflicts (2 of 4 stars). 8 submissions from 8 submitters: Pathogenic (7). 1 of the submissions does not count toward it. Last evaluated 2025-12-09.

Conditions:
SCN1A-related disorder. Also called: SCN1A-related disorders; SCN1A-related conditions; SCN1A-related condition.
Early-infantile DEE. Also called: Early infantile epileptic encephalopathy; Early infantile epileptic encephalopathy with suppression bursts; Ohtahara syndrome. Identifiers: Orphanet 1934, MedGen C0393706, MONDO:0800491.
Generalized epilepsy with febrile seizures plus, type 2 (GEFSP2). Also called: GEFS+, TYPE 2. Identifiers: Orphanet 36387, MedGen C1858673, MONDO:0011461, OMIM 604403.
Generalized epilepsy with febrile seizures plus, type 1 (GEFSP1). Also called: GEFS+, TYPE 1. Identifiers: Orphanet 36387, MedGen C1858672, MONDO:0011416, OMIM 604233.
Severe myoclonic epilepsy in infancy (DRVT). Also called: Dravet syndrome; DEVELOPMENTAL AND EPILEPTIC ENCEPHALOPATHY 6A; Severe Myoclonic Epilepsy in Infancy (SMEI); Epileptic encephalopathy, early infantile, 6 (Dravet syndrome); SEVERE MYOCLONIC EPILEPSY OF INFANCY. Identifiers: Orphanet 33069, MedGen C0751122, MONDO:0100135, OMIM 607208.
Seizure. Also called: Seizures. Identifiers: MedGen C0036572, HP:0001250.

Submissions (9):

3billion
Classification: Pathogenic for SCN1A-related disorder. Last evaluated: 2025-12-09. Review status: criteria provided, single submitter. Criteria: ACMG Guidelines, 2015. Collection method: clinical testing. Allele origin: germline. Affected: yes.
Comment: The variant is observed at an extremely low frequency in the gnomAD v4.1.0 dataset (total allele frequency: <0.001%). Predicted Consequence/Location: Missense variant Functional studies provide supporting evidence of the variant having a damaging effect on the gene or gene product (PMID: 25576396). In silico tool predictions suggest damaging effect of the variant on gene or gene product [REVEL: 0.96 (>=0.6, sensitivity 0.68 and specificity 0.92); 3Cnet: 0.99 (> 0.75, sensitivity 0.96 and precision 0.92)]. The same nucleotide change resulting in the same amino acid change has been previously reported as pathogenic/likely pathogenic with strong evidence (ClinVar ID: VCV000068592 /PMID: 16525050 /3billion dataset). Different missense changes at the same codon (p.Arg859His, p.Arg859Leu, p.Arg859Pro) have been reported as pathogenic/likely pathogenic with strong evidence (ClinVar ID: VCV000093639, VCV003634045 /PMID: 21864321, 29141311). Therefore, this variant is classified as Pathogenic according to the recommendation of ACMG/AMP guideline.

Labcorp Genetics (formerly Invitae), Labcorp
Classification: Pathogenic for Early-infantile DEE. Last evaluated: 2025-12-02. Review status: criteria provided, single submitter. Criteria: Invitae Variant Classification Sherloc (09022015). Collection method: clinical testing. Allele origin: germline.
Comment: This sequence change replaces arginine, which is basic and polar, with cysteine, which is neutral and slightly polar, at codon 859 of the SCN1A protein (p.Arg859Cys). This variant is not present in population databases (gnomAD no frequency). This missense change has been observed in individual(s) with Dravet syndrome or generalized epilepsy with febrile seizures (PMID: 16525050, 18930999). In at least one individual the variant was observed to be de novo. It has also been observed to segregate with disease in related individuals. ClinVar contains an entry for this variant (Variation ID: 68592). Invitae Evidence Modeling of protein sequence and biophysical properties (such as structural, functional, and spatial information, amino acid conservation, physicochemical variation, residue mobility, and thermodynamic stability) indicates that this missense variant is expected to disrupt SCN1A protein function with a positive predictive value of 95%. Experimental studies have shown that this missense change affects SCN1A function (PMID: 16525050, 25576396). This variant disrupts the p.Arg859 amino acid residue in SCN1A. Other variant(s) that disrupt this residue have been determined to be pathogenic (PMID: 21864321, 24277604, 28084635; internal data). This suggests that this residue is clinically significant, and that variants that disrupt this residue are likely to be disease-causing. For these reasons, this variant has been classified as Pathogenic.

GeneDx
Classification: Pathogenic. Last evaluated: 2024-10-25. Review status: criteria provided, single submitter. Criteria: GeneDx Variant Classification Process June 2021. Collection method: clinical testing. Allele origin: germline. Affected: yes.
Comment: Published functional studies demonstrate reduced neuronal excitability (PMID: 16525050); Not observed at significant frequency in large population cohorts (gnomAD); In silico analysis supports that this missense variant has a deleterious effect on protein structure/function; This variant is associated with the following publications: (PMID: 25576396, 20831750, 20100831, 17304347, 25754450, 19292758, 35074891, 32090326, 18930999, 16525050)

Institute of Medical Genetics and Applied Genomics, University Hospital Tübingen
Classification: Pathogenic for Severe myoclonic epilepsy in infancy. Last evaluated: 2024-08-05. Review status: criteria provided, single submitter. Criteria: ACMG Guidelines, 2015. Collection method: clinical testing. Allele origin: germline. Inheritance: Autosomal dominant inheritance. Affected: yes.

Mendelics
Classification: Pathogenic for Generalized epilepsy with febrile seizures plus, type 2. Last evaluated: 2022-05-04. Review status: criteria provided, single submitter. Criteria: Mendelics Assertion Criteria 2019. Collection method: clinical testing. Allele origin: germline.

Cytogénomique, Hospices Civils de Lyon
Classification: Pathogenic for Seizure. Last evaluated: 2021-03-25. Review status: criteria provided, single submitter. Criteria: ACMG Guidelines, 2015. Collection method: clinical testing. Allele origin: de novo. Inheritance: Sporadic. Affected: yes. Observed: 1 variant allele, 1 heterozygote.
Comment: de novo, absent from gnomAD, already known pathogenic.

Centre de Biologie Pathologie Génétique, Centre Hospitalier Universitaire de Lille
Classification: Pathogenic for Generalized epilepsy with febrile seizures plus, type 2. Review status: criteria provided, single submitter. Criteria: ACMG Guidelines, 2015. Collection method: clinical testing. Allele origin: inherited. Affected: yes.

Channelopathy-Associated Epilepsy Research Center
No classification provided (evidence only). Condition: Severe myoclonic epilepsy in infancy. Review status: no classification provided. Collection method: literature only. Allele origin: not applicable. Functional consequence: Moderate decrease in peak current, Normal voltage dependence of activation, Normal slope of activation, Normal voltage dependence of fast inactivation, Normal slope of fast inactivation, Normal rate of recovery from fast inactivation, Normal persistent current, Increase of decay in current amplitude in use dependence, Overall loss-of-function effect with respect to biophysical channel activity, Normal rate of activation. Not counted in ClinVar's aggregate classification.
ClinVar note: "not provided" was previously submitted as the classification for the variant. However, the classification appeared to be based only on an observation of functional data so it was converted to no classification on 2025-07-30.

UniProtKB/Swiss-Prot
No classification provided. Condition: Generalized epilepsy with febrile seizures plus, type 1. Review status: no classification provided. Collection method: not provided. Allele origin: not provided. Not counted in ClinVar's aggregate classification.

Literature cited by the submitters: PubMed 25576396 (cited by 3 submitters); PubMed 21864321 (cited by 3billion and Labcorp Genetics (formerly Invitae), Labcorp); PubMed 16525050 (cited by 3billion and Labcorp Genetics (formerly Invitae), Labcorp); PubMed 18930999 (cited by Labcorp Genetics (formerly Invitae), Labcorp); PubMed 24277604 (cited by Labcorp Genetics (formerly Invitae), Labcorp); PubMed 28084635 (cited by Labcorp Genetics (formerly Invitae), Labcorp).

NM_001165963.4(SCN1A):c.2575C>T (p.Arg859Cys)

Genes: SCN1A-AS1 (SCN1A and SCN9A antisense RNA 1; plus strand), SCN1A (sodium voltage-gated channel alpha subunit 1; minus strand). Cytogenetic location: 2q24.3.
Variant type: single nucleotide variant.
Coding change: c.2575C>T on transcript NM_001165963.4 (MANE Select); coding-DNA position 2575, C replaced by T.
Protein change: p.Arg859Cys; replaces arginine 859 with cysteine.
Molecular consequence: missense variant. On other transcripts: non-coding transcript variant (1).
Genome position (GRCh38, 1-based): chr2:166,039,437, G>A on the plus strand (C>T on the coding strand, the complement: SCN1A is on the minus strand). VCF-style: chr2-166039437-G-A. GRCh37 (hg19) VCF-style: chr2-166895947-G-A.
Other names: c.2491C>T, p.Arg831Cys (NM_001165964.3, NM_001353957.2, NM_001353958.2); c.2575C>T, p.Arg859Cys (NM_001202435.3, NM_001353948.2); c.2542C>T, p.Arg848Cys (NM_001353949.2, NM_001353950.2, NM_001353951.2 and 2 more transcripts); c.2539C>T, p.Arg847Cys (NM_001353954.2, NM_001353955.2); c.2488C>T, p.Arg830Cys (NM_001353960.2); c.133C>T, p.Arg45Cys (NM_001353961.2); short protein forms R848C, R859C, R847C, R45C, R830C, R831C.
Identifiers: ClinVar variation 68592 (VCV000068592.19), dbSNP rs121918784, ClinGen allele CA266104.